The following is an entry in ClinVar:

ClinVar aggregate classification (germline): Likely benign. Review status: criteria provided, multiple submitters, no conflicts (2 of 4 stars). 2 submissions from 2 submitters: Likely benign (2). Last evaluated 2026-06-01.

Allele frequency attached by ClinVar (database versions not stated): 1000 Genomes Project 30x 0.00016; 1000 Genomes Project 0.00020; TOPMed 0.00035; ESP Exome Variant Server 0.00054; gnomAD exomes 0.00056 and 0.00085; ExAC 0.00075; gnomAD 0.00078 and 0.00083.
gnomAD v4.1: 937 of 1,614,168 alleles (0.058%); highest among the groups gnomAD compares: Non-Finnish European, 0.048%; 2 homozygotes.

Submissions (2):

CeGaT Center for Human Genetics Tuebingen
Classification: Likely benign. Last evaluated: 2026-06-01. Review status: criteria provided, single submitter. Criteria: CeGaT Center For Human Genetics Tuebingen Variant Classification Criteria Version 2. Collection method: clinical testing. Allele origin: germline. Affected: yes. Observed: 3 variant alleles.
Comment: RREB1: BP4, BS2

Labcorp Genetics (formerly Invitae), Labcorp
Classification: Likely benign. Last evaluated: 2019-12-31. Review status: criteria provided, single submitter. Criteria: Invitae Variant Classification Sherloc (09022015). Collection method: clinical testing. Allele origin: germline.

NM_001003699.4(RREB1):c.1375A>G (p.Ile459Val)

Gene: RREB1 (ras responsive element binding protein 1; plus strand). Cytogenetic location: 6p24.3.
Variant type: single nucleotide variant.
Coding change: c.1375A>G on transcript NM_001003699.4 (MANE Select); coding-DNA position 1375, A replaced by G.
Protein change: p.Ile459Val; replaces isoleucine 459 with valine.
Molecular consequence: missense variant.
Genome position (GRCh38, 1-based): chr6:7,229,474, A>G. VCF-style: chr6-7229474-A-G. GRCh37 (hg19) VCF-style: chr6-7229707-A-G.
Other names: c.1375A>G, p.Ile459Val (NM_001003698.4, NM_001003700.2, NM_001168344.2); short protein forms I459V.
Identifiers: ClinVar variation 735300 (VCV000735300.28), dbSNP rs199565690, ClinGen allele CA3625519.